The following is an entry in ClinVar:

ClinVar aggregate classification (germline): Uncertain significance (1 of 4 stars; one submission).

Submission:

Labcorp Genetics (formerly Invitae), Labcorp
Classification: Uncertain significance. Last evaluated: 2023-09-30. Review status: criteria provided, single submitter. Criteria: Invitae Variant Classification Sherloc (09022015). Collection method: clinical testing. Allele origin: germline.
Comment: This sequence change affects codon 508 of the TNNI3K mRNA. It is a 'silent' change, meaning that it does not change the encoded amino acid sequence of the TNNI3K protein. This variant is not present in population databases (gnomAD no frequency). This variant has not been reported in the literature in individuals affected with TNNI3K-related conditions. Algorithms developed to predict the effect of sequence changes on RNA splicing suggest that this variant may disrupt the consensus splice site. In summary, the available evidence is currently insufficient to determine the role of this variant in disease. Therefore, it has been classified as a Variant of Uncertain Significance.

NM_015978.3(TNNI3K):c.1522C>A (p.Arg508=)

Genes: FPGT-TNNI3K (FPGT-TNNI3K readthrough; plus strand), TNNI3K (TNNI3 interacting kinase; plus strand). Cytogenetic location: 1p31.1.
Variant type: single nucleotide variant.
Coding change: c.1522C>A on transcript NM_015978.3 (MANE Select); coding-DNA position 1522, C replaced by A.
Protein change: p.Arg508=; no amino-acid change (arginine 508 retained).
Molecular consequence: synonymous variant.
Genome position (GRCh38, 1-based): chr1:74,369,440, C>A. VCF-style: chr1-74369440-C-A. GRCh37 (hg19) VCF-style: chr1-74835124-C-A.
Other names: c.1825C>A, p.Arg609= (NM_001112808.3, NM_001199327.2).
Identifiers: ClinVar variation 3003184 (VCV003003184.3), dbSNP rs41289190, ClinGen allele CA418443879.